The following is an entry in ClinVar:

ClinVar aggregate classification (germline): Uncertain significance (1 of 4 stars; one submission).

Allele frequency attached by ClinVar (database versions not stated): TOPMed below 0.00001; gnomAD 0.00001; gnomAD exomes 0.00001.
gnomAD v4.1: 7 of 1,210,024 alleles (0.00058%); highest among the groups gnomAD compares: Non-Finnish European, 0.00078%; no homozygotes.

Submission:

GeneDx
Classification: Uncertain significance. Last evaluated: 2023-08-26. Review status: criteria provided, single submitter. Criteria: GeneDx Variant Classification Process June 2021. Collection method: clinical testing. Allele origin: germline. Affected: yes.
Comment: Not observed at significant frequency in large population cohorts (gnomAD); In silico analysis supports that this missense variant has a deleterious effect on protein structure/function; Has not been previously published as pathogenic or benign to our knowledge

NM_001111125.3(IQSEC2):c.2206C>T (p.Arg736Trp)

Gene: IQSEC2 (IQ motif and Sec7 domain ArfGEF 2; minus strand). Cytogenetic location: Xp11.22.
Variant type: single nucleotide variant.
Coding change: c.2206C>T on transcript NM_001111125.3 (MANE Select); coding-DNA position 2206, C replaced by T.
Protein change: p.Arg736Trp; replaces arginine 736 with tryptophan.
Molecular consequence: missense variant.
Genome position (GRCh38, 1-based): chrX:53,250,370, G>A on the plus strand (C>T on the coding strand, the complement: IQSEC2 is on the minus strand). VCF-style: chrX-53250370-G-A. GRCh37 (hg19) VCF-style: chrX-53279552-G-A.
Other names: c.1591C>T, p.Arg531Trp (NM_015075.2); short protein forms R736W, R531W.
Identifiers: ClinVar variation 391878 (VCV000391878.4), dbSNP rs1057524271, ClinGen allele CA16608947.